The following is an entry in ClinVar:

NM_002470.4(MYH3):c.4783G>A (p.Val1595Met)

Gene: MYH3 (myosin heavy chain 3; minus strand). Cytogenetic location: 17p13.1.
Variant type: single nucleotide variant.
Coding change: c.4783G>A on transcript NM_002470.4 (MANE Select); coding-DNA position 4783, G replaced by A.
Protein change: p.Val1595Met; replaces valine 1595 with methionine.
Molecular consequence: missense variant.
Genome position (GRCh38, 1-based): chr17:10,632,649, C>T on the plus strand (G>A on the coding strand, the complement: MYH3 is on the minus strand). VCF-style: chr17-10632649-C-T. GRCh37 (hg19) VCF-style: chr17-10535966-C-T.
Other names: short protein forms V1595M.
Identifiers: ClinVar variation 2103600 (VCV002103600.4), dbSNP rs201706456, ClinGen allele CA8392125.

ClinVar aggregate classification (germline): Uncertain significance (1 of 4 stars; one submission).

Allele frequency attached by ClinVar (database versions not stated): gnomAD 0.00001; gnomAD exomes 0.00001; ExAC 0.00002; 1000 Genomes Project 30x 0.00016; 1000 Genomes Project 0.00020.
gnomAD v4.1: 15 of 1,614,210 alleles (0.00093%); highest among the groups gnomAD compares: East Asian, 0.033%; no homozygotes.

Submission:

Labcorp Genetics (formerly Invitae), Labcorp
Classification: Uncertain significance. Last evaluated: 2022-05-12. Review status: criteria provided, single submitter. Criteria: Invitae Variant Classification Sherloc (09022015). Collection method: clinical testing. Allele origin: germline.
Comment: In summary, the available evidence is currently insufficient to determine the role of this variant in disease. Therefore, it has been classified as a Variant of Uncertain Significance. Algorithms developed to predict the effect of missense changes on protein structure and function are either unavailable or do not agree on the potential impact of this missense change (SIFT: "Deleterious"; PolyPhen-2: "Benign"; Align-GVGD: "Class C15"). This variant has not been reported in the literature in individuals affected with MYH3-related conditions. This variant is present in population databases (rs201706456, gnomAD 0.03%). This sequence change replaces valine, which is neutral and non-polar, with methionine, which is neutral and non-polar, at codon 1595 of the MYH3 protein (p.Val1595Met).